The following is an entry in ClinVar:

ClinVar aggregate classification (germline): Uncertain significance (1 of 4 stars; one submission).

Submission:

Labcorp Genetics (formerly Invitae), Labcorp
Classification: Uncertain significance. Last evaluated: 2025-10-08. Review status: criteria provided, single submitter. Criteria: Invitae Variant Classification Sherloc (09022015). Collection method: clinical testing. Allele origin: germline.
Comment: This sequence change replaces alanine, which is neutral and non-polar, with aspartic acid, which is acidic and polar, at codon 196 of the SOX18 protein (p.Ala196Asp). This variant is not present in population databases (gnomAD no frequency). This variant has not been reported in the literature in individuals affected with SOX18-related conditions. Invitae Evidence Modeling of protein sequence and biophysical properties (such as structural, functional, and spatial information, amino acid conservation, physicochemical variation, residue mobility, and thermodynamic stability) indicates that this missense variant is not expected to disrupt SOX18 protein function with a negative predictive value of 80%. In summary, the available evidence is currently insufficient to determine the role of this variant in disease. Therefore, it has been classified as a Variant of Uncertain Significance.

NM_018419.3(SOX18):c.587C>A (p.Ala196Asp)

Gene: SOX18 (SRY-box transcription factor 18; minus strand). Cytogenetic location: 20q13.33.
Variant type: single nucleotide variant.
Coding change: c.587C>A on transcript NM_018419.3 (MANE Select); coding-DNA position 587, C replaced by A.
Protein change: p.Ala196Asp; replaces alanine 196 with aspartic acid.
Molecular consequence: missense variant.
Genome position (GRCh38, 1-based): chr20:64,048,734, G>T on the plus strand (C>A on the coding strand, the complement: SOX18 is on the minus strand). VCF-style: chr20-64048734-G-T. GRCh37 (hg19) VCF-style: chr20-62680087-G-T.
Other names: short protein forms A196D.
Identifiers: ClinVar variation 4782169 (VCV004782169.1).